The following is an entry in ClinVar:

ClinVar aggregate classification (germline): Uncertain significance. Review status: criteria provided, multiple submitters, no conflicts (2 of 4 stars). 5 submissions from 5 submitters: Uncertain significance (5). Last evaluated 2025-12-29.

Conditions:
MYH6-related disorder. Also called: MYH6-Related Disorders; MYH6-related condition.
Cardiovascular phenotype. Identifiers: MedGen CN230736.
Hypertrophic cardiomyopathy 14. Identifiers: MedGen C2750467, MONDO:0013197, OMIM 613251.

gnomAD v4.1: 48 of 1,614,212 alleles (0.003%); highest among the groups gnomAD compares: Non-Finnish European, 0.0038%; no homozygotes.

Submissions (5):

PreventionGenetics, part of Exact Sciences
Classification: Uncertain significance for MYH6-related condition. Last evaluated: 2025-12-29. Review status: criteria provided, single submitter. Criteria: ACMG Guidelines, 2015. Collection method: clinical testing. Allele origin: germline.
Comment: The MYH6 c.2579G>T variant is predicted to result in the amino acid substitution p.Arg860Leu. This variant has been reported as a variant of uncertain significance in an individual with myopathy (supplementary file 2, van Lint et al. 2019. PubMed ID: 30847666). This variant is reported in 0.0018% of alleles in individuals of European (Non-Finnish) descent in gnomAD. At this time, the clinical significance of this variant is uncertain due to the absence of conclusive functional and genetic evidence.

Labcorp Genetics (formerly Invitae), Labcorp
Classification: Uncertain significance for Hypertrophic cardiomyopathy 14. Last evaluated: 2025-02-05. Review status: criteria provided, single submitter. Criteria: Invitae Variant Classification Sherloc (09022015). Collection method: clinical testing. Allele origin: germline.
Comment: This sequence change replaces arginine, which is basic and polar, with leucine, which is neutral and non-polar, at codon 860 of the MYH6 protein (p.Arg860Leu). This variant is present in population databases (no rsID available, gnomAD 0.0009%). This variant has not been reported in the literature in individuals affected with MYH6-related conditions. ClinVar contains an entry for this variant (Variation ID: 1700347). Invitae Evidence Modeling of protein sequence and biophysical properties (such as structural, functional, and spatial information, amino acid conservation, physicochemical variation, residue mobility, and thermodynamic stability) has been performed for this missense variant. However, the output from this modeling did not meet the statistical confidence thresholds required to predict the impact of this variant on MYH6 protein function. In summary, the available evidence is currently insufficient to determine the role of this variant in disease. Therefore, it has been classified as a Variant of Uncertain Significance.

Ambry Genetics
Classification: Uncertain significance for Cardiovascular phenotype. Last evaluated: 2025-01-14. Review status: criteria provided, single submitter. Criteria: Ambry Variant Classification Scheme 2023. Collection method: clinical testing. Allele origin: germline.
Comment: The p.R860L variant (also known as c.2579G>T), located in coding exon 19 of the MYH6 gene, results from a G to T substitution at nucleotide position 2579. The arginine at codon 860 is replaced by leucine, an amino acid with dissimilar properties. This variant was detected in a cardiomyopathy/arrhythmia genetic testing cohort; however, clinical details were limited, and additional cardiac variants were detected in some cases (van Lint FHM et al. Neth Heart J, 2019 Jun;27:304-309). This amino acid position is not well conserved in available vertebrate species. In addition, the in silico prediction for this alteration is inconclusive. Based on the available evidence, the clinical significance of this variant remains unclear.

ARUP Laboratories, Molecular Genetics and Genomics, ARUP Laboratories
Classification: Uncertain significance. Last evaluated: 2024-10-02. Review status: criteria provided, single submitter. Criteria: ARUP Molecular Germline Variant Investigation Process 2024. Collection method: clinical testing. Allele origin: germline.
Comment: The MYH6 c.2579G>T; p.Arg860Leu variant (rs115845031), to our knowledge, is not reported in the medical literature but is reported in ClinVar (Variation ID: 1700347). This variant is found in the general population with an overall allele frequency of 0.0012% (3/251478 alleles) in the Genome Aggregation Database (v2.1.1). Computational analyses are uncertain whether this variant is neutral or deleterious (REVEL: 0.400). Due to limited information, the clinical significance of this variant is uncertain at this time.

GeneDx
Classification: Uncertain significance. Last evaluated: 2022-02-03. Review status: criteria provided, single submitter. Criteria: GeneDx Variant Classification Process June 2021. Collection method: clinical testing. Allele origin: germline. Affected: yes.
Comment: Has not been previously published as pathogenic or benign to our knowledge; Not observed at significant frequency in large population cohorts (gnomAD); In silico analysis supports that this missense variant has a deleterious effect on protein structure/function

Literature cited by the submitters: PubMed 30847666 (cited by Ambry Genetics).

NM_002471.4(MYH6):c.2579G>T (p.Arg860Leu)

Gene: MYH6 (myosin heavy chain 6; minus strand). Cytogenetic location: 14q11.2.
Variant type: single nucleotide variant.
Coding change: c.2579G>T on transcript NM_002471.4 (MANE Select); coding-DNA position 2579, G replaced by T.
Protein change: p.Arg860Leu; replaces arginine 860 with leucine.
Molecular consequence: missense variant.
Genome position (GRCh38, 1-based): chr14:23,394,174, C>A on the plus strand (G>T on the coding strand, the complement: MYH6 is on the minus strand). VCF-style: chr14-23394174-C-A. GRCh37 (hg19) VCF-style: chr14-23863383-C-A.
Other names: short protein forms R860L.
Identifiers: ClinVar variation 1700347 (VCV001700347.6), dbSNP rs115845031, ClinGen allele CA257787454.